The following is an entry in ClinVar:

ClinVar aggregate classification (germline): Uncertain significance. Review status: criteria provided, multiple submitters, no conflicts (2 of 4 stars). 2 submissions from 2 submitters: Uncertain significance (2). Last evaluated 2025-12-24.

Conditions:
Atrioventricular septal defect 5 (AVSD5). Identifiers: MedGen C3280939, MONDO:0013769, OMIM 614474.

gnomAD v4.1: 5 of 1,365,224 alleles (0.00037%); highest among the groups gnomAD compares: Non-Finnish European, 0.00047%; no homozygotes.

Submissions (2):

Labcorp Genetics (formerly Invitae), Labcorp
Classification: Uncertain significance for Atrioventricular septal defect 5. Last evaluated: 2025-12-24. Review status: criteria provided, single submitter. Criteria: Invitae Variant Classification Sherloc (09022015). Collection method: clinical testing. Allele origin: germline.
Comment: This sequence change replaces serine, which is neutral and polar, with threonine, which is neutral and polar, at codon 210 of the GATA6 protein (p.Ser210Thr). This variant is not present in population databases (gnomAD no frequency). This variant has not been reported in the literature in individuals affected with GATA6-related conditions. ClinVar contains an entry for this variant (Variation ID: 1334494). Invitae Evidence Modeling of protein sequence and biophysical properties (such as structural, functional, and spatial information, amino acid conservation, physicochemical variation, residue mobility, and thermodynamic stability) indicates that this missense variant is not expected to disrupt GATA6 protein function with a negative predictive value of 80%. In summary, the available evidence is currently insufficient to determine the role of this variant in disease. Therefore, it has been classified as a Variant of Uncertain Significance.

Greenwood Genetic Center Diagnostic Laboratories, Greenwood Genetic Center
Classification: Uncertain significance. Last evaluated: 2021-07-06. Review status: criteria provided, single submitter. Criteria: ACMG Guidelines, 2015. Collection method: clinical testing. Allele origin: germline. Affected: yes.
Comment: PM2

NM_005257.6(GATA6):c.629G>C (p.Ser210Thr)

Gene: GATA6 (GATA binding protein 6; plus strand). Cytogenetic location: 18q11.2.
Variant type: single nucleotide variant.
Coding change: c.629G>C on transcript NM_005257.6 (MANE Select); coding-DNA position 629, G replaced by C.
Protein change: p.Ser210Thr; replaces serine 210 with threonine.
Molecular consequence: missense variant.
Genome position (GRCh38, 1-based): chr18:22,171,773, G>C. VCF-style: chr18-22171773-G-C. GRCh37 (hg19) VCF-style: chr18-19751734-G-C.
Other names: short protein forms S210T.
Identifiers: ClinVar variation 1334494 (VCV001334494.9), dbSNP rs2143276783, ClinGen allele CA401800242.